The following is an entry in ClinVar:

NM_000038.6(APC):c.2072A>T (p.Asn691Ile)

Gene: APC (APC regulator of Wnt signaling pathway; plus strand). Cytogenetic location: 5q22.2.
Variant type: single nucleotide variant.
Coding change: c.2072A>T on transcript NM_000038.6 (MANE Select); coding-DNA position 2072, A replaced by T.
Protein change: p.Asn691Ile; replaces asparagine 691 with isoleucine.
Molecular consequence: missense variant. On other transcripts: non-coding transcript variant (2).
Genome position (GRCh38, 1-based): chr5:112,837,666, A>T. VCF-style: chr5-112837666-A-T. GRCh37 (hg19) VCF-style: chr5-112173363-A-T.
Other names: c.1949A>T, p.Asn650Ile (NM_001354900.2); c.1895A>T, p.Asn632Ile (NM_001354901.2, NM_001407453.1); c.1799A>T, p.Asn600Ile (NM_001354902.2); c.1769A>T, p.Asn590Ile (NM_001354903.2, NM_001407458.1, NM_001407459.1 and 1 more transcripts); c.1694A>T, p.Asn565Ile (NM_001354904.2); c.1592A>T, p.Asn531Ile (NM_001354905.2); c.1223A>T, p.Asn408Ile (NM_001354906.2, NM_001407470.1); c.2156A>T, p.Asn719Ile (NM_001407446.1); and 11 more; short protein forms N565I, N632I, N650I, N673I, N701I, N307I, N666I, N681I.
Identifiers: ClinVar variation 5025271 (VCV005025271.1).

ClinVar aggregate classification (germline): Uncertain significance (1 of 4 stars; one submission).

Conditions:
Hereditary cancer-predisposing syndrome. Also called: Neoplastic Syndromes, Hereditary; Tumor predisposition; Hereditary neoplastic syndrome; Hereditary Cancer Syndrome. Identifiers: Orphanet 140162, MedGen C0027672, MeSH D009386, MONDO:0015356.

Submission:

Ambry Genetics
Classification: Uncertain significance for Hereditary cancer-predisposing syndrome. Last evaluated: 2026-07-07. Review status: criteria provided, single submitter. Criteria: Ambry Variant Classification Scheme 2023. Collection method: clinical testing. Allele origin: germline.
Comment: The p.N691I variant (also known as c.2072A>T), located in coding exon 15 of the APC gene, results from an A to T substitution at nucleotide position 2072. The asparagine at codon 691 is replaced by isoleucine, an amino acid with dissimilar properties. This amino acid position is conserved. In addition, in silico predictors for this gene do not accurately predict pathogenicity. Based on the available evidence, the clinical significance of this variant remains unclear.